The following is an entry in ClinVar:

ClinVar aggregate classification (germline): Likely benign. Review status: criteria provided, multiple submitters, no conflicts (2 of 4 stars). 3 submissions from 3 submitters: Likely benign (3). Last evaluated 2023-09-27.

Allele frequency attached by ClinVar (database versions not stated): gnomAD 0.00001; TOPMed 0.00001; gnomAD exomes 0.00002 and 0.00003; ExAC 0.00004; 1000 Genomes Project 0.00020; 1000 Genomes Project 30x 0.00031.
gnomAD v4.1: 29 of 1,612,730 alleles (0.0018%); highest among the groups gnomAD compares: East Asian, 0.0067%; no homozygotes.

Submissions (3):

Labcorp Genetics (formerly Invitae), Labcorp
Classification: Likely benign. Last evaluated: 2023-09-27. Review status: criteria provided, single submitter. Criteria: Invitae Variant Classification Sherloc (09022015). Collection method: clinical testing. Allele origin: germline.

CeGaT Center for Human Genetics Tuebingen
Classification: Likely benign. Last evaluated: 2023-05-01. Review status: criteria provided, single submitter. Criteria: CeGaT Center For Human Genetics Tuebingen Variant Classification Criteria Version 2. Collection method: clinical testing. Allele origin: germline. Affected: yes. Observed: 1 variant allele.
Comment: FOXRED1: BP4, BP7

Blueprint Genetics
Classification: Likely benign. Last evaluated: 2022-09-16. Review status: criteria provided, single submitter. Criteria: ACMG Guidelines, 2015. Collection method: clinical testing. Allele origin: germline.

NM_017547.4(FOXRED1):c.867C>T (p.Asn289=)

Gene: FOXRED1 (FAD dependent oxidoreductase domain containing 1; plus strand). Cytogenetic location: 11q24.2.
Variant type: single nucleotide variant.
Coding change: c.867C>T on transcript NM_017547.4 (MANE Select); coding-DNA position 867, C replaced by T.
Protein change: p.Asn289=; no amino-acid change (asparagine 289 retained).
Molecular consequence: synonymous variant. On other transcripts: non-coding transcript variant (2).
Genome position (GRCh38, 1-based): chr11:126,276,115, C>T. VCF-style: chr11-126276115-C-T. GRCh37 (hg19) VCF-style: chr11-126146010-C-T.
Identifiers: ClinVar variation 731547 (VCV000731547.31), dbSNP rs200551914, ClinGen allele CA6354247.